The following is an entry in ClinVar:

NM_145861.4(EDARADD):c.161-13T>C

Gene: EDARADD (EDAR associated via death domain; plus strand). Cytogenetic location: 1q43.
Variant type: single nucleotide variant.
Coding change: c.161-13T>C on transcript NM_145861.4 (MANE Select); 13 bases into the intron before coding-DNA position 161, T replaced by C.
Molecular consequence: intron variant.
Genome position (GRCh38, 1-based): chr1:236,427,379, T>C. VCF-style: chr1-236427379-T-C. GRCh37 (hg19) VCF-style: chr1-236590679-T-C.
Other names: c.95-13T>C (NM_001422628.1); c.131-13T>C (NM_080738.5).
Identifiers: ClinVar variation 262599 (VCV000262599.11), dbSNP rs184596437, ClinGen allele CA1470011.

ClinVar aggregate classification (germline): Benign/Likely benign. Review status: criteria provided, multiple submitters, no conflicts (2 of 4 stars). 3 submissions from 3 submitters: Benign (1); Likely benign (2). Last evaluated 2025-11-03.

Conditions:
Hypohidrotic ectodermal dysplasia (HED). Identifiers: Orphanet 238468, MedGen C5848103, MONDO:0016535, HP:0007607.
Ectodermal dysplasia 11A, hypohidrotic/hair/tooth type, autosomal dominant. Identifiers: Orphanet 1810, Orphanet 238468, MedGen C3541517, MONDO:0013982, OMIM 614940.
Ectodermal dysplasia 11B, hypohidrotic/hair/tooth type, autosomal recessive. Identifiers: Orphanet 238468, Orphanet 248, MedGen C3539920, MONDO:0013983, OMIM 614941.

Allele frequency attached by ClinVar (database versions not stated): gnomAD exomes 0.00104 and 0.00097; gnomAD 0.00106 and 0.00110; TOPMed 0.00111; ExAC 0.00111; ESP Exome Variant Server 0.00054; 1000 Genomes Project 30x 0.00078; 1000 Genomes Project 0.00100.
gnomAD v4.1: 1,682 of 1,607,762 alleles (0.1%); highest among the groups gnomAD compares: Middle Eastern, 0.3%; 4 homozygotes.

Submissions (3):

Labcorp Genetics (formerly Invitae), Labcorp
Classification: Likely benign for Ectodermal dysplasia 11B, hypohidrotic/hair/tooth type, autosomal recessive; Ectodermal dysplasia 11A, hypohidrotic/hair/tooth type, autosomal dominant. Last evaluated: 2025-11-03. Review status: criteria provided, single submitter. Criteria: Invitae Variant Classification Sherloc (09022015). Collection method: clinical testing. Allele origin: germline.

Illumina Laboratory Services, Illumina
Classification: Benign for Hypohidrotic ectodermal dysplasia. Last evaluated: 2018-01-12. Review status: criteria provided, single submitter. Criteria: ICSL Variant Classification Criteria 13 December 2019. Collection method: clinical testing. Allele origin: germline.
Comment: This variant was observed in the ICSL laboratory as part of a predisposition screen in an ostensibly healthy population. It had not been previously curated by ICSL or reported in the Human Gene Mutation Database (HGMD: prior to June 1st, 2018), and was therefore a candidate for classification through an automated scoring system. Utilizing variant allele frequency, disease prevalence and penetrance estimates, and inheritance mode, an automated score was calculated to assess if this variant is too frequent to cause the disease. Based on the score and internal cut-off values, a variant classified as benign is not then subjected to further curation. The score for this variant resulted in a classification of benign for this disease.

PreventionGenetics, part of Exact Sciences
Classification: Likely benign. Review status: criteria provided, single submitter. Criteria: ACMG Guidelines, 2015. Collection method: clinical testing. Allele origin: germline.